The following is an entry in ClinVar:

NM_001849.4(COL6A2):c.2350C>T (p.Arg784Cys)

Gene: COL6A2 (collagen type VI alpha 2 chain; plus strand). Cytogenetic location: 21q22.3.
Variant type: single nucleotide variant.
Coding change: c.2350C>T on transcript NM_001849.4 (MANE Select); coding-DNA position 2350, C replaced by T.
Protein change: p.Arg784Cys; replaces arginine 784 with cysteine.
Molecular consequence: missense variant.
Genome position (GRCh38, 1-based): chr21:46,126,165, C>T. VCF-style: chr21-46126165-C-T. GRCh37 (hg19) VCF-style: chr21-47546079-C-T.
Other names: c.2350C>T, p.Arg784Cys (NM_058174.3, NM_058175.3); short protein forms R784C.
Identifiers: ClinVar variation 4811067 (VCV004811067.2).

ClinVar aggregate classification (germline): Uncertain significance. Review status: criteria provided, multiple submitters, no conflicts (2 of 4 stars). 2 submissions from 2 submitters: Uncertain significance (2). Last evaluated 2025-11-01.

Conditions:
Bethlem myopathy 1A. Also called: MYOPATHY, BENIGN CONGENITAL, WITH CONTRACTURES; Bethlem myopathy 1; Bethlem Muscular Dystrophy. Identifiers: Orphanet 610, MedGen CN029274, MONDO:0024530, OMIM 158810.

gnomAD v4.1: 13 of 1,608,966 alleles (0.00081%); highest among the groups gnomAD compares: East Asian, 0.0045%; no homozygotes.

Submissions (2):

Labcorp Genetics (formerly Invitae), Labcorp
Classification: Uncertain significance for Bethlem myopathy 1A. Last evaluated: 2025-11-01. Review status: criteria provided, single submitter. Criteria: Invitae Variant Classification Sherloc (09022015). Collection method: clinical testing. Allele origin: germline.
Comment: This sequence change replaces arginine, which is basic and polar, with cysteine, which is neutral and slightly polar, at codon 784 of the COL6A2 protein (p.Arg784Cys). This variant is present in population databases (rs565801105, gnomAD 0.006%). This variant has not been reported in the literature in individuals affected with COL6A2-related conditions. Invitae Evidence Modeling of protein sequence and biophysical properties (such as structural, functional, and spatial information, amino acid conservation, physicochemical variation, residue mobility, and thermodynamic stability) indicates that this missense variant is not expected to disrupt COL6A2 protein function with a negative predictive value of 80%. In summary, the available evidence is currently insufficient to determine the role of this variant in disease. Therefore, it has been classified as a Variant of Uncertain Significance.

Blueprint Genetics
Classification: Uncertain significance. Last evaluated: 2023-03-27. Review status: criteria provided, single submitter. Criteria: ACMG Guidelines, 2015. Collection method: clinical testing. Allele origin: germline.